The following is an entry in ClinVar:

ClinVar aggregate classification (germline): Likely benign. Review status: criteria provided, multiple submitters, no conflicts (2 of 4 stars). 3 submissions from 3 submitters: Likely benign (3). Last evaluated 2021-12-07.

Allele frequency attached by ClinVar (database versions not stated): gnomAD exomes 0.00002 and 0.00005; ExAC 0.00005; ESP Exome Variant Server 0.00008; gnomAD 0.00015 and 0.00016; 1000 Genomes Project 30x 0.00016; 1000 Genomes Project 0.00020; TOPMed 0.00025.

Submissions (3):

Blueprint Genetics
Classification: Likely benign. Last evaluated: 2021-12-07. Review status: criteria provided, single submitter. Criteria: ACMG Guidelines, 2015. Collection method: clinical testing. Allele origin: germline.

GeneDx
Classification: Likely benign. Last evaluated: 2017-12-08. Review status: criteria provided, single submitter. Criteria: GeneDx Variant Classification (06012015). Collection method: clinical testing. Allele origin: germline. Affected: yes.
Comment: This variant is considered likely benign or benign based on one or more of the following criteria: it is a conservative change, it occurs at a poorly conserved position in the protein, it is predicted to be benign by multiple in silico algorithms, and/or has population frequency not consistent with disease.

Breakthrough Genomics
Classification: Likely benign. Review status: criteria provided, single submitter. Criteria: ACMG Guidelines, 2015. Collection method: not provided. Allele origin: germline. Inheritance: Unknown mechanism. Affected: yes.

NM_001407.3(CELSR3):c.9882C>T (p.His3294=)

Gene: CELSR3 (cadherin EGF LAG seven-pass G-type receptor 3; minus strand). Cytogenetic location: 3p21.31.
Variant type: single nucleotide variant.
Coding change: c.9882C>T on transcript NM_001407.3 (MANE Select); coding-DNA position 9882, C replaced by T.
Protein change: p.His3294=; no amino-acid change (histidine 3294 retained).
Molecular consequence: synonymous variant.
Genome position (GRCh38, 1-based): chr3:48,639,703, G>A on the plus strand (C>T on the coding strand, the complement: CELSR3 is on the minus strand). VCF-style: chr3-48639703-G-A. GRCh37 (hg19) VCF-style: chr3-48677136-G-A.
Identifiers: ClinVar variation 514123 (VCV000514123.3), dbSNP rs373106405, ClinGen allele CA2383439.
Genomic context (GRCh38, chr3:48,639,703, plus strand): 5'-GGGTGCAAGCAGGTGGCTGGACCATACTTACTCTGAGTCTGGCGACAGCTCCGAGATGCT[G>A]TGAGACGTGGCAGAACGTGGCGTGGAGGGCCCAAGCACAGAGGCTGTGGCAGAAGGTGTG-3'
Protein context (NP_001398.2, residues 3284-3304): GPSTPRSATS[His3294=]SISELSPDSE